The following is an entry in ClinVar:

NM_003356.4(UCP3):c.273C>T (p.Phe91=)

Gene: UCP3 (uncoupling protein 3; minus strand). Cytogenetic location: 11q13.4.
Variant type: single nucleotide variant.
Coding change: c.273C>T on transcript NM_003356.4 (MANE Select); coding-DNA position 273, C replaced by T.
Protein change: p.Phe91=; no amino-acid change (phenylalanine 91 retained).
Molecular consequence: synonymous variant.
Genome position (GRCh38, 1-based): chr11:74,006,233, G>A on the plus strand (C>T on the coding strand, the complement: UCP3 is on the minus strand). VCF-style: chr11-74006233-G-A. GRCh37 (hg19) VCF-style: chr11-73717278-G-A.
Other names: c.273C>T, p.Phe91= (NM_022803.3).
Identifiers: ClinVar variation 3032248 (VCV003032248.2), dbSNP rs150693088, ClinGen allele CA6181565.

ClinVar aggregate classification (germline): Likely benign (0 of 4 stars; one submission).

Conditions:
UCP3-related disorder. Also called: UCP3-related condition.

Allele frequency attached by ClinVar (database versions not stated): ExAC 0.00003; gnomAD 0.00005; TOPMed 0.00005; ESP Exome Variant Server 0.00008.

Submission:

PreventionGenetics, part of Exact Sciences
Classification: Likely benign for UCP3-related condition. Last evaluated: 2022-02-28. Review status: no assertion criteria provided. Collection method: clinical testing. Allele origin: germline.
Comment: This variant is classified as likely benign based on ACMG/AMP sequence variant interpretation guidelines (Richards et al. 2015 PMID: 25741868, with internal and published modifications).